The following is an entry in ClinVar:

NM_002317.7(LOX):c.425C>T (p.Ala142Val)

Genes: LOX (lysyl oxidase; minus strand), SRFBP1 (serum response factor binding protein 1; plus strand). Cytogenetic location: 5q23.1.
Variant type: single nucleotide variant.
Coding change: c.425C>T on transcript NM_002317.7 (MANE Select); coding-DNA position 425, C replaced by T.
Protein change: p.Ala142Val; replaces alanine 142 with valine.
Molecular consequence: missense variant.
Genome position (GRCh38, 1-based): chr5:122,077,561, G>A on the plus strand (C>T on the coding strand, the complement: LOX is on the minus strand). VCF-style: chr5-122077561-G-A. GRCh37 (hg19) VCF-style: chr5-121413256-G-A.
Other names: short protein forms A142V.
Identifiers: ClinVar variation 3682160 (VCV003682160.2).

ClinVar aggregate classification (germline): Uncertain significance (1 of 4 stars; one submission).

Submission:

Labcorp Genetics (formerly Invitae), Labcorp
Classification: Uncertain significance. Last evaluated: 2025-04-02. Review status: criteria provided, single submitter. Criteria: Invitae Variant Classification Sherloc (09022015). Collection method: clinical testing. Allele origin: germline.
Comment: This sequence change replaces alanine, which is neutral and non-polar, with valine, which is neutral and non-polar, at codon 142 of the LOX protein (p.Ala142Val). This variant is not present in population databases (gnomAD no frequency). This variant has not been reported in the literature in individuals affected with LOX-related conditions. Invitae Evidence Modeling of protein sequence and biophysical properties (such as structural, functional, and spatial information, amino acid conservation, physicochemical variation, residue mobility, and thermodynamic stability) indicates that this missense variant is not expected to disrupt LOX protein function with a negative predictive value of 95%. In summary, the available evidence is currently insufficient to determine the role of this variant in disease. Therefore, it has been classified as a Variant of Uncertain Significance.